The following is an entry in ClinVar:

ClinVar aggregate classification (germline): Likely pathogenic (1 of 4 stars; one submission).

Conditions:
Familial intrahepatic cholestasis. Identifiers: Orphanet 284385, MedGen CN296401, MONDO:0017290.

Submission:

Genomenon, Inc
Classification: Likely pathogenic for Familial intrahepatic cholestasis. Last evaluated: 2026-04-14. Review status: criteria provided, single submitter. Criteria: Genomenon Sequence Variant Interpretation Standards - Updated. Collection method: curation. Allele origin: germline. Affected: yes.
Comment: ATP8B1 p.Arg1199LeufsTer35 (c.3596_3601delinsT) is a frameshift variant that results in the production of a truncated protein. This variant has been observed in at least one proband with features of ATP8B1-deficiency (PMID:37168916). It is absent or not present at a significant frequency in gnomAD. In conclusion, we classify ATP8B1 p.Arg1199LeufsTer35 (c.3596_3601delinsT) as a likely pathogenic variant.

Literature cited by the submitters: PubMed 37168916.

NM_001374385.1(ATP8B1):c.3596_3601delinsT (p.Arg1199fs)

Genes: ATP8B1 (ATPase phospholipid transporting 8B1; minus strand), ATP8B1-AS1 (ATP8B1 antisense RNA 1; plus strand). Cytogenetic location: 18q21.31.
Variant type: Indel.
Coding change: c.3596_3601delinsT on transcript NM_001374385.1 (MANE Select); coding-DNA positions 3596 to 3601, GCCGGG replaced by T.
Protein change: p.Arg1199fs; shifts the reading frame from arginine 1199.
Molecular consequence: frameshift variant.
Genome position (GRCh38, 1-based): chr18:57,648,643-57,648,648, CCCGGC replaced by A on the plus strand (GCCGGG replaced by T on the coding strand, the reverse complement: ATP8B1 is on the minus strand). VCF-style: chr18-57648643-CCCGGC-A. GRCh37 (hg19) VCF-style: chr18-55315875-CCCGGC-A.
Other names: c.3446_3451delinsT, p.Arg1149fs (NM_001374386.1); c.3596_3601delinsT, p.Arg1199fs (NM_005603.6); short protein forms R1149fs, R1199fs.
Identifiers: ClinVar variation 4846271 (VCV004846271.1).